The following is an entry in ClinVar:

ClinVar aggregate classification (germline): Uncertain significance. Review status: reviewed by expert panel (3 of 4 stars). 2 submissions from 2 submitters: Uncertain significance (1). 1 of the submissions does not count toward it. Last evaluated 2025-10-06.

Conditions:
Mucopolysaccharidosis type 1. Also called: IDUA deficiency; MPS I. Identifiers: Orphanet 579, MedGen C0023786, MONDO:0001586.

gnomAD v4.1: 4 of 1,613,082 alleles (0.00025%); highest among the groups gnomAD compares: African/African-American, 0.004%; no homozygotes.

Submissions (2):

ClinGen Lysosomal Storage Disorder Variant Curation Expert Panel
Classification: Uncertain significance for Mucopolysaccharidosis type 1. Last evaluated: 2025-10-06. Review status: reviewed by expert panel. Criteria: ClinGen LSD ACMG Specifications IDUA V1.1.0. Collection method: curation. Allele origin: germline. Inheritance: Autosomal recessive inheritance.
Comment: The NM_000203.5:c.531C>G variant in IDUA is a missense variant predicted to cause substitution of phenylalanine by leucine at amino acid 177 (p.Phe177Leu). PM3 not applied. The highest population minor allele frequency in gnomAD v4.1.0 is 0.000040 (3/74894 alleles) in the African/African-American population, which is lower than the ClinGen Lysosomal Diseases VCEP’s threshold for PM2_Supporting (<0.00025), meeting this criterion (PM2_Supporting). The computational predictor REVEL gives a score of 0.842 which is above the threshold of 0.773, evidence that correlates with impact to IDUA function at the moderate level based on the specifications of the ClinGen Lysosomal Diseases VCEP (PMID: 36413997) (PP3_Moderate). SpliceAI predicts that the variant has no impact on splicing (all scores <0.1). Expression of the variant in HEK-293 cells resulted in a relative specific activity of 18.6% compared with wild type (Fig 2), and faint 70 kD and 62 kD bands on Western blot (PMID: 39702574) (PS3_Not met). Two other variants at the same amino acid position have been reported: c.530T>C (p.Phe177Ser) has been classified as likely pathogenic for MPS I by the ClinGen LD VCEP (PM5_Supporting) and c.530T>G (p.Phe177Cys) (ClinVarID:3147976) has been classified as a VUS for MPS I by the ClinGen LD VCEP. There is a ClinVar entry for this variant (ClinVarID: 2432729). In summary, this variant meets the criteria to be classified as a variant of uncertain significance (VUS) for MPS I. IDUA-specific ACMG/AMP criteria applied, as specified by the ClinGen Lysosomal Diseases Variant Curation Expert Panel (Specifications Version 1.0.0): PP3_moderate, PP4, PM2_supporting, PM5_Supporting. (Classification approved by the ClinGen Lysosomal Diseases Variant Curation Expert Panel on October 6, 2025)

Revvity Omics, Revvity
Classification: Uncertain significance. Last evaluated: 2021-10-07. Review status: criteria provided, single submitter. Criteria: ACMG Guidelines, 2015. Collection method: clinical testing. Allele origin: germline. Not counted in ClinVar's aggregate classification.

NM_000203.5(IDUA):c.531C>G (p.Phe177Leu)

Gene: IDUA (alpha-L-iduronidase; plus strand). Cytogenetic location: 4p16.3.
Variant type: single nucleotide variant.
Coding change: c.531C>G on transcript NM_000203.5 (MANE Select); coding-DNA position 531, C replaced by G.
Protein change: p.Phe177Leu; replaces phenylalanine 177 with leucine.
Molecular consequence: missense variant. On other transcripts: non-coding transcript variant (1).
Genome position (GRCh38, 1-based): chr4:1,001,505, C>G. VCF-style: chr4-1001505-C-G. GRCh37 (hg19) VCF-style: chr4-995293-C-G.
Other names: NM_000203.5(IDUA):c.531C>G; p.Phe177Leu; c.135C>G, p.Phe45Leu (NM_001363576.1); short protein forms F177L, F45L.
Identifiers: ClinVar variation 2432729 (VCV002432729.3), dbSNP rs769331894, ClinGen allele CA2801983.